The following is an entry in ClinVar:

NM_000057.4(BLM):c.3248G>A (p.Ser1083Asn)

Gene: BLM (BLM RecQ like helicase; plus strand). Cytogenetic location: 15q26.1.
Variant type: single nucleotide variant.
Coding change: c.3248G>A on transcript NM_000057.4 (MANE Select); coding-DNA position 3248, G replaced by A.
Protein change: p.Ser1083Asn; replaces serine 1083 with asparagine.
Molecular consequence: missense variant.
Genome position (GRCh38, 1-based): chr15:90,798,227, G>A. VCF-style: chr15-90798227-G-A. GRCh37 (hg19) VCF-style: chr15-91341457-G-A.
Other names: c.3248G>A, p.Ser1083Asn (NM_001287246.2, NM_001287247.2); c.2123G>A, p.Ser708Asn (NM_001287248.2); short protein forms S708N, S1083N.
Identifiers: ClinVar variation 3641074 (VCV003641074.1).
Genomic context (GRCh38, chr15:90,798,227, plus strand): 5'-AAGTATTCTCTTTTTATTCATAGGATTATAAAACAAGAGATGTGACTGACGATGTGAAAA[G>A]TATTGTAAGATTTGTTCAAGAACATAGTTCATCACAAGGAATGAGAAATATAAAACATGT-3'
Protein context (NP_000048.1, residues 1073-1093): KTRDVTDDVK[Ser1083Asn]IVRFVQEHSS

ClinVar aggregate classification (germline): Uncertain significance (1 of 4 stars; one submission).

Conditions:
Bloom syndrome (BLM). Also called: Bloom-Torre-Machacek syndrome. Identifiers: Orphanet 125, MedGen C0005859, MONDO:0008876, OMIM 210900.

gnomAD v4.1: 2 of 1,609,922 alleles (0.00012%); highest among the groups gnomAD compares: South Asian, 0.0011%; no homozygotes.

Submission:

Labcorp Genetics (formerly Invitae), Labcorp
Classification: Uncertain significance for Bloom syndrome. Last evaluated: 2024-02-15. Review status: criteria provided, single submitter. Criteria: Invitae Variant Classification Sherloc (09022015). Collection method: clinical testing. Allele origin: germline.
Comment: This sequence change replaces serine, which is neutral and polar, with asparagine, which is neutral and polar, at codon 1083 of the BLM protein (p.Ser1083Asn). This variant is not present in population databases (gnomAD no frequency). This variant has not been reported in the literature in individuals affected with BLM-related conditions. Advanced modeling of protein sequence and biophysical properties (such as structural, functional, and spatial information, amino acid conservation, physicochemical variation, residue mobility, and thermodynamic stability) performed at Invitae indicates that this missense variant is not expected to disrupt BLM protein function with a negative predictive value of 80%. In summary, the available evidence is currently insufficient to determine the role of this variant in disease. Therefore, it has been classified as a Variant of Uncertain Significance.